The following is an entry in ClinVar:

ClinVar aggregate classification (germline): Uncertain significance (1 of 4 stars; one submission).

Submission:

Labcorp Genetics (formerly Invitae), Labcorp
Classification: Uncertain significance. Last evaluated: 2023-09-20. Review status: criteria provided, single submitter. Criteria: Invitae Variant Classification Sherloc (09022015). Collection method: clinical testing. Allele origin: germline.
Comment: This variant is not present in population databases (gnomAD no frequency). This variant has not been reported in the literature in individuals affected with ACACA-related conditions. An algorithm developed to predict the effect of missense changes on protein structure and function (PolyPhen-2) suggests that this variant is likely to be disruptive. In summary, the available evidence is currently insufficient to determine the role of this variant in disease. Therefore, it has been classified as a Variant of Uncertain Significance. This sequence change replaces aspartic acid, which is acidic and polar, with valine, which is neutral and non-polar, at codon 989 of the ACACA protein (p.Asp989Val).

NM_198834.3(ACACA):c.3077A>T (p.Asp1026Val)

Gene: ACACA (acetyl-CoA carboxylase alpha; minus strand). Cytogenetic location: 17q12.
Variant type: single nucleotide variant.
Coding change: c.3077A>T on transcript NM_198834.3 (MANE Select); coding-DNA position 3077, A replaced by T.
Protein change: p.Asp1026Val; replaces aspartic acid 1026 with valine.
Molecular consequence: missense variant.
Genome position (GRCh38, 1-based): chr17:37,240,520, T>A on the plus strand (A>T on the coding strand, the complement: ACACA is on the minus strand). VCF-style: chr17-37240520-T-A. GRCh37 (hg19) VCF-style: chr17-35597436-T-A.
Other names: c.2966A>T, p.Asp989Val (NM_198836.3, NM_198839.3); c.2792A>T, p.Asp931Val (NM_198837.2); c.2732A>T, p.Asp911Val (NM_198838.2); short protein forms D931V, D989V, D1026V, D911V.
Identifiers: ClinVar variation 2759711 (VCV002759711.3), dbSNP rs2546295770, ClinGen allele CA399188856.